The following is an entry in ClinVar:

ClinVar aggregate classification (germline): Likely pathogenic (1 of 4 stars; one submission).

Submission:

Dasa
Classification: Likely pathogenic. Last evaluated: 2026-01-20. Review status: criteria provided, single submitter. Criteria: DASA Assertion Criteria. Collection method: clinical testing. Allele origin: germline.
Comment: NM_170707.4(LMNA):c.574dup (p.Asp192Glyfs*3) is a frameshift variant in LMNA predicted to alter the reading frame and introduce a premature termination codon and is predicted to result in an absent or altered protein product. Loss of function is an established disease mechanism for LMNA (PMID: 31983221; PMID: 31476771). Also, this variant is rare in population databases. Based on the currently available evidence, this variant is classified as likely pathogenic.

Literature cited by the submitters: PubMed 31983221; PubMed 31476771.

NM_170707.4(LMNA):c.574dup (p.Asp192fs)

Gene: LMNA (lamin A/C; plus strand). Cytogenetic location: 1q22.
Variant type: Duplication.
Coding change: c.574dup on transcript NM_170707.4 (MANE Select); coding-DNA position 574, one base duplicated (G; older notation c.574dupG).
Protein change: p.Asp192fs; shifts the reading frame from aspartic acid 192.
Molecular consequence: frameshift variant. On other transcripts: 5 prime UTR variant (4).
Genome position (GRCh38, 1-based): chr1:156,134,463, G duplicated; the last of 2 consecutive G bases (chr1:156,134,462-156,134,463); duplicating either gives the same sequence. VCF-style (leftmost placement, unchanged base first): chr1-156134461-T-TG. GRCh37 (hg19) VCF-style: chr1-156104252-T-TG.
Other names: c.238dup, p.Asp80fs (NM_001257374.3, NM_001406989.1, NM_001406998.1); c.331dup, p.Asp111fs (NM_001282624.2, NM_001406986.1, NM_001406987.1); c.574dup, p.Asp192fs (NM_001282625.2, NM_001282626.2, NM_001406983.1 and 6 more transcripts); c.277dup, p.Asp93fs (NM_001406988.1); c.16dup, p.Asp6fs (NM_001406990.1, NM_001406993.1, NM_001406995.1 and 4 more transcripts); c.-91dup (NM_001406994.1, NM_001406999.1, NM_001407000.1 and 1 more transcripts); short protein forms D111fs, D192fs, D6fs, D80fs, D93fs.
Identifiers: ClinVar variation 4856821 (VCV004856821.2).